The following is an entry in ClinVar:

NM_000245.4(MET):c.1540C>T (p.Pro514Ser)

Gene: MET (MET proto-oncogene, receptor tyrosine kinase; plus strand). Cytogenetic location: 7q31.2.
Variant type: single nucleotide variant.
Coding change: c.1540C>T on transcript NM_000245.4 (MANE Select); coding-DNA position 1540, C replaced by T.
Protein change: p.Pro514Ser; replaces proline 514 with serine.
Molecular consequence: missense variant.
Genome position (GRCh38, 1-based): chr7:116,740,864, C>T. VCF-style: chr7-116740864-C-T. GRCh37 (hg19) VCF-style: chr7-116380918-C-T.
Other names: c.1540C>T, p.Pro514Ser (NM_001127500.3, NM_001324401.3); c.250C>T, p.Pro84Ser (NM_001324402.2); short protein forms P84S, P514S.
Identifiers: ClinVar variation 1774843 (VCV001774843.7), dbSNP rs756526057, ClinGen allele CA368974999.
Genomic context (GRCh38, chr7:116,740,864, plus strand): 5'-CAAACTAGATACCCCTCTGGAAGCTCTTTCCACCCCTTCTCTTCACAGATCACGAAGATC[C>T]CATTGAATGGCTTGGGCTGCAGACATTTCCAGTCCTGCAGTCAATGCCTCTCTGCCCCAC-3'
Protein context (NP_000236.2, residues 504-524): VITGKKITKI[Pro514Ser]LNGLGCRHFQ

ClinVar aggregate classification (germline): Uncertain significance. Review status: criteria provided, multiple submitters, no conflicts (2 of 4 stars). 2 submissions from 2 submitters: Uncertain significance (2). Last evaluated 2025-04-07.

Conditions:
Renal cell carcinoma. Identifiers: Orphanet 217071, MedGen C0007134, MeSH D002292, MONDO:0005086, HP:0005584.
Hereditary cancer-predisposing syndrome. Also called: Hereditary Cancer Syndrome; Hereditary neoplastic syndrome; Neoplastic Syndromes, Hereditary; Tumor predisposition. Identifiers: Orphanet 140162, MedGen C0027672, MeSH D009386, MONDO:0015356.

gnomAD v4.1: 2 of 1,613,966 alleles (0.00012%); highest among the groups gnomAD compares: African/African-American, 0.0027%; no homozygotes.

Submissions (2):

Labcorp Genetics (formerly Invitae), Labcorp
Classification: Uncertain significance for Renal cell carcinoma. Last evaluated: 2025-04-07. Review status: criteria provided, single submitter. Criteria: Invitae Variant Classification Sherloc (09022015). Collection method: clinical testing. Allele origin: germline.
Comment: This sequence change replaces proline, which is neutral and non-polar, with serine, which is neutral and polar, at codon 514 of the MET protein (p.Pro514Ser). This variant is not present in population databases (gnomAD no frequency). This variant has not been reported in the literature in individuals affected with MET-related conditions. ClinVar contains an entry for this variant (Variation ID: 1774843). Invitae Evidence Modeling of protein sequence and biophysical properties (such as structural, functional, and spatial information, amino acid conservation, physicochemical variation, residue mobility, and thermodynamic stability) indicates that this missense variant is not expected to disrupt MET protein function with a negative predictive value of 80%. In summary, the available evidence is currently insufficient to determine the role of this variant in disease. Therefore, it has been classified as a Variant of Uncertain Significance.

Ambry Genetics
Classification: Uncertain significance for Hereditary cancer-predisposing syndrome. Last evaluated: 2022-02-13. Review status: criteria provided, single submitter. Criteria: Ambry Variant Classification Scheme 2023. Collection method: clinical testing. Allele origin: germline.
Comment: The p.P514S variant (also known as c.1540C>T), located in coding exon 4 of the MET gene, results from a C to T substitution at nucleotide position 1540. The proline at codon 514 is replaced by serine, an amino acid with similar properties. This amino acid position is conserved. In addition, the in silico prediction for this alteration is inconclusive. Since supporting evidence is limited at this time, the clinical significance of this alteration remains unclear.